The following is an entry in ClinVar:

ClinVar aggregate classification (germline): Uncertain significance (1 of 4 stars; one submission).

Conditions:
Myofibrillar myopathy 6. Identifiers: Orphanet 199340, MedGen C2751831, MONDO:0013061, OMIM 612954.
Dilated cardiomyopathy 1HH (CMD1HH). Identifiers: Orphanet 154, MedGen C3151293, MONDO:0013479, OMIM 613881.

Submission:

Labcorp Genetics (formerly Invitae), Labcorp
Classification: Uncertain significance for Dilated cardiomyopathy 1HH; Myofibrillar myopathy 6. Last evaluated: 2023-07-14. Review status: criteria provided, single submitter. Criteria: Invitae Variant Classification Sherloc (09022015). Collection method: clinical testing. Allele origin: germline.
Comment: In summary, the available evidence is currently insufficient to determine the role of this variant in disease. Therefore, it has been classified as a Variant of Uncertain Significance. Advanced modeling of protein sequence and biophysical properties (such as structural, functional, and spatial information, amino acid conservation, physicochemical variation, residue mobility, and thermodynamic stability) performed at Invitae indicates that this missense variant is not expected to disrupt BAG3 protein function. ClinVar contains an entry for this variant (Variation ID: 1441702). This variant has not been reported in the literature in individuals affected with BAG3-related conditions. This variant is not present in population databases (gnomAD no frequency). This sequence change replaces glutamic acid, which is acidic and polar, with glycine, which is neutral and non-polar, at codon 414 of the BAG3 protein (p.Glu414Gly).

NM_004281.4(BAG3):c.1241A>G (p.Glu414Gly)

Gene: BAG3 (BAG cochaperone 3; plus strand). Cytogenetic location: 10q26.11.
Variant type: single nucleotide variant.
Coding change: c.1241A>G on transcript NM_004281.4 (MANE Select); coding-DNA position 1241, A replaced by G.
Protein change: p.Glu414Gly; replaces glutamic acid 414 with glycine.
Molecular consequence: missense variant.
Genome position (GRCh38, 1-based): chr10:119,676,795, A>G. VCF-style: chr10-119676795-A-G. GRCh37 (hg19) VCF-style: chr10-121436307-A-G.
Other names: short protein forms E414G.
Identifiers: ClinVar variation 1441702 (VCV001441702.8), dbSNP rs2134069093, ClinGen allele CA378296898.